The following is an entry in ClinVar:

ClinVar aggregate classification (germline): Pathogenic. Review status: criteria provided, single submitter (1 of 4 stars). 3 submissions from 3 submitters: Pathogenic (1). 2 of the submissions do not count toward it. Last evaluated 2025-09-10.

Conditions:
Gaze palsy, familial horizontal, with progressive scoliosis, 2. Also called: DEVELOPMENTAL SPLIT-BRAIN SYNDROME; GAZE PALSY, FAMILIAL HORIZONTAL, WITH PROGRESSIVE SCOLIOSIS 2, WITH IMPAIRED INTELLECTUAL DEVELOPMENT. Identifiers: MedGen C4479640, MONDO:0054602, OMIM 617542.
Mirror movements 1 (MRMV1). Identifiers: Orphanet 238722, MedGen C1834870, OMIM 157600, MONDO:0008002.

Submissions (3):

Genomic Medicine Center of Excellence, King Faisal Specialist Hospital and Research Centre
Classification: Pathogenic for Mirror movements 1. Last evaluated: 2025-09-10. Review status: criteria provided, single submitter. Criteria: ACMG Guidelines, 2015. Collection method: clinical testing. Allele origin: germline.

OMIM
Classification: Pathogenic for GAZE PALSY, FAMILIAL HORIZONTAL, WITH PROGRESSIVE SCOLIOSIS 2, WITH IMPAIRED INTELLECTUAL DEVELOPMENT. Last evaluated: 2019-04-02. Review status: no assertion criteria provided. Collection method: literature only. Allele origin: germline. Not counted in ClinVar's aggregate classification.

Tim Yu lab, Boston Children's Hospital
Classification: Pathogenic for Developmental Split Brain Syndrome. Last evaluated: 2017-01-26. Review status: no assertion criteria provided. Collection method: research. Allele origin: germline, unknown. Inheritance: Autosomal recessive inheritance. Affected: yes and no. Observed: 3 variant alleles, 2 heterozygotes, 1 homozygote. Clinical features observed: Corpus callosum, agenesis of, Scoliosis, Familial congenital mirror movements, Horizontal supranuclear gaze palsy, Intellectual disability. Not counted in ClinVar's aggregate classification.
Comment: This variant is absent from public databases (Exome Aggregation Consortium, Exome Variant Server, dbSNP146, 1000 Genomes Project) as well as an internal exome database of >1000 Middle Eastern samples. It is at amino acid position 263 (of 1447) in the third immunoglobulin repeat, resulting in frameshift and premature termination 36 amino acids downstream (p.Val263Alafs*36).

Literature cited by the submitters: PubMed 28250456 (cited by OMIM and Tim Yu lab, Boston Children's Hospital).

NM_005215.4(DCC):c.788_794del (p.Val263fs)

Gene: DCC (DCC netrin 1 receptor; plus strand). Cytogenetic location: 18q21.2.
Variant type: Deletion.
Coding change: c.788_794del on transcript NM_005215.4 (MANE Select); coding-DNA positions 788 to 794, 7 bases deleted (TTTCTGG; older notation c.788_794delTTTCTGG).
Protein change: p.Val263fs; shifts the reading frame from valine 263.
Molecular consequence: frameshift variant.
Genome position (GRCh38, 1-based): chr18:52,923,797-52,923,803, TTTCTGG deleted; deleting any 7 consecutive bases within chr18:52,923,796-52,923,803 gives the same sequence; the c. name uses the placement nearest the transcript's 3' end. VCF-style (leftmost placement, unchanged base first): chr18-52923795-TGTTTCTG-T. GRCh37 (hg19) VCF-style: chr18-50450165-TGTTTCTG-T.
Other names: short protein forms V263fs.
Identifiers: ClinVar variation 446724 (VCV000446724.6), dbSNP rs1555682265, ClinGen allele CA658658754.